The following is an entry in ClinVar:

NM_001164665.2(KIAA1549):c.1823G>A (p.Arg608His)

Gene: KIAA1549 (KIAA1549; minus strand). Cytogenetic location: 7q34.
Variant type: single nucleotide variant.
Coding change: c.1823G>A on transcript NM_001164665.2 (MANE Select); coding-DNA position 1823, G replaced by A.
Protein change: p.Arg608His; replaces arginine 608 with histidine.
Molecular consequence: missense variant.
Genome position (GRCh38, 1-based): chr7:138,917,803, C>T on the plus strand (G>A on the coding strand, the complement: KIAA1549 is on the minus strand). VCF-style: chr7-138917803-C-T. GRCh37 (hg19) VCF-style: chr7-138602549-C-T.
Other names: c.1823G>A, p.Arg608His (NM_020910.3); short protein forms R608H.
Identifiers: ClinVar variation 3019966 (VCV003019966.1), dbSNP rs370628698, ClinGen allele CA4506623.

ClinVar aggregate classification (germline): Uncertain significance (1 of 4 stars; one submission).

gnomAD v4.1: 54 of 1,587,124 alleles (0.0034%); highest among the groups gnomAD compares: Middle Eastern, 0.033%; no homozygotes.

Submission:

Labcorp Genetics (formerly Invitae), Labcorp
Classification: Uncertain significance. Last evaluated: 2023-09-13. Review status: criteria provided, single submitter. Criteria: Invitae Variant Classification Sherloc (09022015). Collection method: clinical testing. Allele origin: germline.
Comment: This sequence change replaces arginine, which is basic and polar, with histidine, which is basic and polar, at codon 608 of the KIAA1549 protein (p.Arg608His). This variant is present in population databases (rs370628698, gnomAD 0.005%). This variant has not been reported in the literature in individuals affected with KIAA1549-related conditions. An algorithm developed to predict the effect of missense changes on protein structure and function (PolyPhen-2) suggests that this variant¬†is likely to be tolerated. In summary, the available evidence is currently insufficient to determine the role of this variant in disease. Therefore, it has been classified as a Variant of Uncertain Significance.